The following is an entry in ClinVar:

ClinVar aggregate classification (germline): Conflicting classifications of pathogenicity. Review status: criteria provided, conflicting classifications (1 of 4 stars). 2 submissions from 2 submitters: Uncertain significance (1); Likely benign (1). Last evaluated 2026-03-12.

Conditions:
Colorectal cancer, hereditary nonpolyposis, type 7. Identifiers: Orphanet 144, MedGen C1858380, MONDO:0013725, OMIM 614385.

Submissions (2):

Ambry Genetics
Classification: Likely benign. Last evaluated: 2026-03-12. Review status: criteria provided, single submitter. Criteria: Ambry Variant Classification Scheme 2023. Collection method: clinical testing. Allele origin: germline.

Labcorp Genetics (formerly Invitae), Labcorp
Classification: Uncertain significance for Colorectal cancer, hereditary nonpolyposis, type 7. Last evaluated: 2023-05-27. Review status: criteria provided, single submitter. Criteria: Invitae Variant Classification Sherloc (09022015). Collection method: clinical testing. Allele origin: germline.
Comment: In summary, the available evidence is currently insufficient to determine the role of this variant in disease. Therefore, it has been classified as a Variant of Uncertain Significance. Algorithms developed to predict the effect of missense changes on protein structure and function output the following: SIFT: "Not Available"; PolyPhen-2: "Benign"; Align-GVGD: "Not Available". The alanine amino acid residue is found in multiple mammalian species, which suggests that this missense change does not adversely affect protein function. This variant has not been reported in the literature in individuals affected with MLH3-related conditions. This variant is not present in population databases (gnomAD no frequency). This sequence change replaces threonine, which is neutral and polar, with alanine, which is neutral and non-polar, at codon 1420 of the MLH3 protein (p.Thr1420Ala).

NM_001040108.2(MLH3):c.4258A>G (p.Thr1420Ala)

Gene: MLH3 (mutL homolog 3; minus strand). Cytogenetic location: 14q24.3.
Variant type: single nucleotide variant.
Coding change: c.4258A>G on transcript NM_001040108.2 (MANE Select); coding-DNA position 4258, A replaced by G.
Protein change: p.Thr1420Ala; replaces threonine 1420 with alanine.
Molecular consequence: missense variant.
Genome position (GRCh38, 1-based): chr14:75,017,186, T>C on the plus strand (A>G on the coding strand, the complement: MLH3 is on the minus strand). VCF-style: chr14-75017186-T-C. GRCh37 (hg19) VCF-style: chr14-75483889-T-C.
Other names: c.4186A>G, p.Thr1396Ala (NM_014381.3); short protein forms T1420A, T1396A.
Identifiers: ClinVar variation 2716630 (VCV002716630.4), dbSNP rs2503033232, ClinGen allele CA390418196.
Genomic context (GRCh38, chr14:75,017,186, plus strand): 5'-TTGTATCACACTCTGCTTTTCCAAAGAGACGCCAGGCCTGGGCCATTTTGCGAAGTTTAG[T>C]GAGGTTGGGTTTAATCTATGGGAAGAAAGAATAACTTCAATTAGCAATATGAAAAGGTAG-3'
Protein context (NP_001035197.1, residues 1410-1430): EQEKQIKPNL[Thr1420Ala]KLRKMAQAWR